The following is an entry in ClinVar:

ClinVar aggregate classification (germline): Likely benign. Review status: criteria provided, single submitter (1 of 4 stars). 2 submissions from 2 submitters: Likely benign (1). 1 of the submissions does not count toward it. Last evaluated 2023-05-24.

Conditions:
VPS33B-related disorder. Also called: VPS33B-related condition.

Allele frequency attached by ClinVar (database versions not stated): gnomAD 0.00001; TOPMed 0.00001; ExAC 0.00004; ESP Exome Variant Server 0.00008.
gnomAD v4.1: 37 of 1,614,040 alleles (0.0023%); highest among the groups gnomAD compares: East Asian, 0.0089%; no homozygotes.

Submissions (2):

Labcorp Genetics (formerly Invitae), Labcorp
Classification: Likely benign. Last evaluated: 2023-05-24. Review status: criteria provided, single submitter. Criteria: Invitae Variant Classification Sherloc (09022015). Collection method: clinical testing. Allele origin: germline.

PreventionGenetics, part of Exact Sciences
Classification: Likely benign for VPS33B-related condition. Last evaluated: 2023-07-27. Review status: no assertion criteria provided. Collection method: clinical testing. Allele origin: germline. Not counted in ClinVar's aggregate classification.
Comment: This variant is classified as likely benign based on ACMG/AMP sequence variant interpretation guidelines (Richards et al. 2015 PMID: 25741868, with internal and published modifications).

NM_018668.5(VPS33B):c.366G>A (p.Ala122=)

Gene: VPS33B (VPS33B late endosome and lysosome associated; minus strand). Cytogenetic location: 15q26.1.
Variant type: single nucleotide variant.
Coding change: c.366G>A on transcript NM_018668.5 (MANE Select); coding-DNA position 366, G replaced by A.
Protein change: p.Ala122=; no amino-acid change (alanine 122 retained).
Molecular consequence: synonymous variant.
Genome position (GRCh38, 1-based): chr15:91,009,838, C>T on the plus strand (G>A on the coding strand, the complement: VPS33B is on the minus strand). VCF-style: chr15-91009838-C-T. GRCh37 (hg19) VCF-style: chr15-91553068-C-T.
Other names: c.285G>A, p.Ala95= (NM_001289148.1); c.93G>A, p.Ala31= (NM_001289149.1).
Identifiers: ClinVar variation 2713484 (VCV002713484.5), dbSNP rs376914087, ClinGen allele CA7745092.